The following is an entry in ClinVar:

ClinVar aggregate classification (germline): Uncertain significance. Review status: criteria provided, multiple submitters, no conflicts (2 of 4 stars). 2 submissions from 2 submitters: Uncertain significance (2). Last evaluated 2025-10-03.

Conditions:
Myopathy, proximal, and ophthalmoplegia (CMYO6). Also called: CONGENITAL MYOPATHY 6 WITH OPHTHALMOPLEGIA; INCLUSION BODY MYOPATHY 3, AUTOSOMAL DOMINANT; MYOPATHY WITH CONGENITAL JOINT CONTRACTURES, OPHTHALMOPLEGIA, AND RIMMED VACUOLES. Identifiers: Orphanet 363677, Orphanet 79091, MedGen C1854106, MONDO:0011577, OMIM 605637.

Allele frequency attached by ClinVar (database versions not stated): gnomAD exomes below 0.00001.
gnomAD v4.1: 2 of 1,612,002 alleles (0.00012%); highest among the groups gnomAD compares: Non-Finnish European, 0.00017%; no homozygotes.

Submissions (2):

Labcorp Genetics (formerly Invitae), Labcorp
Classification: Uncertain significance for Myopathy, proximal, and ophthalmoplegia. Last evaluated: 2025-10-03. Review status: criteria provided, single submitter. Criteria: Invitae Variant Classification Sherloc (09022015). Collection method: clinical testing. Allele origin: germline.
Comment: This sequence change replaces arginine, which is basic and polar, with isoleucine, which is neutral and non-polar, at codon 275 of the MYH2 protein (p.Arg275Ile). This variant is not present in population databases (gnomAD no frequency). This variant has not been reported in the literature in individuals affected with MYH2-related conditions. ClinVar contains an entry for this variant (Variation ID: 2433885). Invitae Evidence Modeling of protein sequence and biophysical properties (such as structural, functional, and spatial information, amino acid conservation, physicochemical variation, residue mobility, and thermodynamic stability) indicates that this missense variant is expected to disrupt MYH2 protein function with a positive predictive value of 80%. In summary, the available evidence is currently insufficient to determine the role of this variant in disease. Therefore, it has been classified as a Variant of Uncertain Significance.

Revvity Omics, Revvity
Classification: Uncertain significance for Myopathy, proximal, and ophthalmoplegia. Last evaluated: 2019-02-22. Review status: criteria provided, single submitter. Criteria: ACMG Guidelines, 2015. Collection method: clinical testing. Allele origin: germline.

NM_017534.6(MYH2):c.824G>T (p.Arg275Ile)

Genes: MYH2 (myosin heavy chain 2; minus strand), MYHAS (myosin heavy chain gene cluster antisense RNA; plus strand), LOC126862501 (CDK7 strongly-dependent group 2 enhancer GRCh37_chr17:10446256-10447455; plus strand). Cytogenetic location: 17p13.1.
Variant type: single nucleotide variant.
Coding change: c.824G>T on transcript NM_017534.6 (MANE Select); coding-DNA position 824, G replaced by T.
Protein change: p.Arg275Ile; replaces arginine 275 with isoleucine.
Molecular consequence: missense variant.
Genome position (GRCh38, 1-based): chr17:10,542,955, C>A on the plus strand (G>T on the coding strand, the complement: MYH2 is on the minus strand). VCF-style: chr17-10542955-C-A. GRCh37 (hg19) VCF-style: chr17-10446272-C-A.
Other names: c.824G>T, p.Arg275Ile (NM_001100112.2); short protein forms R275I.
Identifiers: ClinVar variation 2433885 (VCV002433885.4), dbSNP rs2508466640, ClinGen allele CA398166835.